The following is an entry in ClinVar:

ClinVar aggregate classification (germline): Benign/Likely benign. Review status: criteria provided, multiple submitters, no conflicts (2 of 4 stars). 7 submissions from 7 submitters: Benign (1); Likely benign (6). Last evaluated 2025-12-22.

Conditions:
Fibromuscular dysplasia, multifocal. Identifiers: MedGen C5543412, MONDO:0859151, OMIM 619329.
Ehlers-Danlos syndrome, classic type, 1 (EDSCL1). Also called: EDS I; Ehlers-Danlos Syndrome, Classic Type, COL5A1-Related; Ehlers-Danlos syndrome, type 1; EHLERS-DANLOS SYNDROME, GRAVIS TYPE; EHLERS-DANLOS SYNDROME, SEVERE CLASSIC TYPE. Identifiers: MedGen C0268335, MONDO:0019567, OMIM 130000.
Familial thoracic aortic aneurysm and aortic dissection (TAAD). Also called: Thoracic aortic aneurysms and dissections. Identifiers: Orphanet 91387, MedGen C4707243, MONDO:0019625.

Allele frequency attached by ClinVar (database versions not stated): gnomAD exomes 0.00003 and 0.00012; TOPMed 0.00009; ExAC 0.00011; gnomAD 0.00012.
gnomAD v4.1: 76 of 1,613,828 alleles (0.0047%); highest among the groups gnomAD compares: South Asian, 0.029%; 1 homozygote.

Submissions (7):

Labcorp Genetics (formerly Invitae), Labcorp
Classification: Likely benign for Ehlers-Danlos syndrome, classic type, 1. Last evaluated: 2025-12-22. Review status: criteria provided, single submitter. Criteria: Invitae Variant Classification Sherloc (09022015). Collection method: clinical testing. Allele origin: germline.

Mayo Clinic Laboratories, Mayo Clinic
Classification: Likely benign. Last evaluated: 2025-07-21. Review status: criteria provided, single submitter. Criteria: ACMG Guidelines, 2015. Collection method: clinical testing. Allele origin: germline. Observed: 2 variant alleles.
Comment: BP4, BP7

Blueprint Genetics
Classification: Likely benign. Last evaluated: 2024-07-17. Review status: criteria provided, single submitter. Criteria: ACMG Guidelines, 2015. Collection method: clinical testing. Allele origin: germline.

Women's Health and Genetics/Laboratory Corporation of America, LabCorp
Classification: Benign. Last evaluated: 2024-03-31. Review status: criteria provided, single submitter. Criteria: LabCorp Variant Classification Summary - May 2015. Collection method: clinical testing. Allele origin: germline.

Fulgent Genetics
Classification: Likely benign for Ehlers-Danlos syndrome, classic type, 1; Fibromuscular dysplasia, multifocal. Last evaluated: 2021-11-10. Review status: criteria provided, single submitter. Criteria: ACMG Guidelines, 2015. Collection method: clinical testing. Allele origin: unknown.

GeneDx
Classification: Likely benign. Last evaluated: 2018-03-19. Review status: criteria provided, single submitter. Criteria: GeneDx Variant Classification (06012015). Collection method: clinical testing. Allele origin: germline. Affected: yes.
Comment: This variant is considered likely benign or benign based on one or more of the following criteria: it is a conservative change, it occurs at a poorly conserved position in the protein, it is predicted to be benign by multiple in silico algorithms, and/or has population frequency not consistent with disease.

Ambry Genetics
Classification: Likely benign for Familial thoracic aortic aneurysm and aortic dissection. Last evaluated: 2015-04-28. Review status: criteria provided, single submitter. Criteria: Ambry Variant Classification Scheme 2023. Collection method: clinical testing. Allele origin: germline.

NM_000093.5(COL5A1):c.5280C>T (p.Tyr1760=)

Genes: COL5A1 (collagen type V alpha 1 chain; plus strand), LOC101448202 (uncharacterized LOC101448202; minus strand). Cytogenetic location: 9q34.3.
Variant type: single nucleotide variant.
Coding change: c.5280C>T on transcript NM_000093.5 (MANE Select); coding-DNA position 5280, C replaced by T.
Protein change: p.Tyr1760=; no amino-acid change (tyrosine 1760 retained).
Molecular consequence: synonymous variant.
Genome position (GRCh38, 1-based): chr9:134,835,114, C>T. VCF-style: chr9-134835114-C-T. GRCh37 (hg19) VCF-style: chr9-137726960-C-T.
Other names: p.Tyr1760=; c.5280C>T, p.Tyr1760= (NM_001278074.1).
Identifiers: ClinVar variation 263994 (VCV000263994.22), dbSNP rs767284056, ClinGen allele CA5320680.